The following is an entry in ClinVar:

NM_012156.2(EPB41L1):c.1539G>A (p.Glu513=)

Gene: EPB41L1 (erythrocyte membrane protein band 4.1 like 1; plus strand). Cytogenetic location: 20q11.23.
Variant type: single nucleotide variant.
Coding change: c.1539G>A on transcript NM_012156.2 (MANE Select); coding-DNA position 1539, G replaced by A.
Protein change: p.Glu513=; no amino-acid change (glutamic acid 513 retained).
Molecular consequence: synonymous variant.
Genome position (GRCh38, 1-based): chr20:36,197,912, G>A. VCF-style: chr20-36197912-G-A. GRCh37 (hg19) VCF-style: chr20-34785834-G-A.
Other names: c.1539G>A, p.Glu513= (NM_001258329.1); c.1410G>A, p.Glu470= (NM_001258330.1); c.1317G>A, p.Glu439= (NM_001258331.2, NM_177996.2).
Identifiers: ClinVar variation 210944 (VCV000210944.32), dbSNP rs45588736, ClinGen allele CA208331.

ClinVar aggregate classification (germline): Benign/Likely benign. Review status: criteria provided, multiple submitters, no conflicts (2 of 4 stars). 3 submissions from 3 submitters: Benign (1); Likely benign (2). Last evaluated 2024-11-18.

Allele frequency attached by ClinVar (database versions not stated): 1000 Genomes Project 30x 0.00016; 1000 Genomes Project 0.00020; ESP Exome Variant Server 0.00023; TOPMed 0.00031; gnomAD exomes 0.00036; gnomAD 0.00045 and 0.00046; ExAC 0.00048.
gnomAD v4.1: 584 of 1,614,118 alleles (0.036%); highest among the groups gnomAD compares: Non-Finnish European, 0.043%; 2 homozygotes.

Submissions (3):

Blueprint Genetics
Classification: Likely benign. Last evaluated: 2024-11-18. Review status: criteria provided, single submitter. Criteria: ACMG Guidelines, 2015. Collection method: clinical testing. Allele origin: germline.

CeGaT Center for Human Genetics Tuebingen
Classification: Likely benign. Last evaluated: 2022-12-01. Review status: criteria provided, single submitter. Criteria: CeGaT Center For Human Genetics Tuebingen Variant Classification Criteria Version 2. Collection method: clinical testing. Allele origin: germline. Affected: yes. Observed: 2 variant alleles.
Comment: EPB41L1: BP4, BP7

Genetic Services Laboratory, University of Chicago
Classification: Benign. Last evaluated: 2017-11-28. Review status: criteria provided, single submitter. Criteria: ACMG Guidelines, 2015. Collection method: clinical testing. Allele origin: germline. Affected: no.